The following is an entry in ClinVar:

ClinVar aggregate classification (germline): Uncertain significance (1 of 4 stars; one submission).

gnomAD v4.1: 19 of 1,613,684 alleles (0.0012%); highest among the groups gnomAD compares: African/African-American, 0.025%; no homozygotes.

Submission:

Labcorp Genetics (formerly Invitae), Labcorp
Classification: Uncertain significance. Last evaluated: 2024-04-15. Review status: criteria provided, single submitter. Criteria: Invitae Variant Classification Sherloc (09022015). Collection method: clinical testing. Allele origin: germline.
Comment: This sequence change replaces isoleucine, which is neutral and non-polar, with threonine, which is neutral and polar, at codon 288 of the AK7 protein (p.Ile288Thr). This variant is present in population databases (rs142394287, gnomAD 0.04%). This variant has not been reported in the literature in individuals affected with AK7-related conditions. Advanced modeling of protein sequence and biophysical properties (such as structural, functional, and spatial information, amino acid conservation, physicochemical variation, residue mobility, and thermodynamic stability) performed at Invitae indicates that this missense variant is expected to disrupt AK7 protein function with a positive predictive value of 80%. In summary, the available evidence is currently insufficient to determine the role of this variant in disease. Therefore, it has been classified as a Variant of Uncertain Significance.

NM_152327.5(AK7):c.863T>C (p.Ile288Thr)

Gene: AK7 (adenylate kinase 7; plus strand). Cytogenetic location: 14q32.2.
Variant type: single nucleotide variant.
Coding change: c.863T>C on transcript NM_152327.5 (MANE Select); coding-DNA position 863, T replaced by C.
Protein change: p.Ile288Thr; replaces isoleucine 288 with threonine.
Molecular consequence: missense variant.
Genome position (GRCh38, 1-based): chr14:96,446,600, T>C. VCF-style: chr14-96446600-T-C. GRCh37 (hg19) VCF-style: chr14-96912937-T-C.
Other names: c.863T>C, p.Ile288Thr (NM_001350888.2, NM_001350890.2, NM_001350891.2 and 1 more transcripts); short protein forms I288T.
Identifiers: ClinVar variation 3710912 (VCV003710912.1).